The following is an entry in ClinVar:

ClinVar aggregate classification (germline): Uncertain significance (1 of 4 stars; one submission).

Conditions:
GNAS-related disorder. Identifiers: MedGen CN380105.

gnomAD v4.1: 1 of 1,591,006 alleles (0.000063%); highest among the groups gnomAD compares: Admixed American, 0.0018%; no homozygotes.

Submission:

PreventionGenetics, part of Exact Sciences
Classification: Uncertain significance for GNAS-related condition. Last evaluated: 2025-11-04. Review status: criteria provided, single submitter. Criteria: ACMG Guidelines, 2015. Collection method: clinical testing. Allele origin: germline.
Comment: The GNAS c.1981G>A variant is predicted to result in the amino acid substitution p.Ala661Thr. To our knowledge, this variant has not been reported in the literature. This variant is reported in 0.0033% of alleles in individuals of Latino descent in gnomAD. At this time, the clinical significance of this variant is uncertain due to the absence of conclusive functional and genetic evidence.

NM_080425.4(GNAS):c.1981G>A (p.Ala661Thr)

Gene: GNAS (GNAS complex locus; plus strand). Cytogenetic location: 20q13.32.
Variant type: single nucleotide variant.
Coding change: c.1981G>A on transcript NM_080425.4 (MANE Plus Clinical); coding-DNA position 1981, G replaced by A.
Protein change: p.Ala661Thr; replaces alanine 661 with threonine.
Molecular consequence: missense variant. On other transcripts: synonymous variant (2), intron variant (3).
Genome position (GRCh38, 1-based): chr20:58,855,246, G>A. VCF-style: chr20-58855246-G-A. GRCh37 (hg19) VCF-style: chr20-57430301-G-A.
Other names: c.1794G>A, p.Ala598= (NM_001077490.3, NM_001309883.1); c.1981G>A, p.Ala661Thr (NM_001410913.1); c.*42+14360G>A (NM_016592.5); c.43+14360G>A (NM_001410912.1); c.-39+13371G>A (NM_001309861.2); short protein forms A661T.
Identifiers: ClinVar variation 4977640 (VCV004977640.1).
Genomic context (GRCh38, chr20:58,855,246, plus strand): 5'-CTGGCGGAGAAGCGCAGACAGATGCGCAAAGAAGCCCTGGAGAAGCGGGCCCAGAAGCGC[G>A]CAGAGAAGAAACGCAGTAAGCTCATCGACAAACAACTCCAGGACGAAAAGATGGGCTACA-3'
Protein context (NP_536350.2, residues 651-671): EALEKRAQKR[Ala661Thr]EKKRSKLIDK